The following is an entry in ClinVar:

NM_001943.5(DSG2):c.3280G>C (p.Gly1094Arg)

Genes: DSG2 (desmoglein 2; plus strand), DSG2-AS1 (DSG2 antisense RNA 1; minus strand). Cytogenetic location: 18q12.1.
Variant type: single nucleotide variant.
Coding change: c.3280G>C on transcript NM_001943.5 (MANE Select); coding-DNA position 3280, G replaced by C.
Protein change: p.Gly1094Arg; replaces glycine 1094 with arginine.
Molecular consequence: missense variant.
Genome position (GRCh38, 1-based): chr18:31,546,666, G>C. VCF-style: chr18-31546666-G-C. GRCh37 (hg19) VCF-style: chr18-29126629-G-C.
Other names: short protein forms G1094R.
Identifiers: ClinVar variation 835821 (VCV000835821.13), dbSNP rs2073313909, ClinGen allele CA402149240.

ClinVar aggregate classification (germline): Uncertain significance. Review status: criteria provided, multiple submitters, no conflicts (2 of 4 stars). 3 submissions from 3 submitters: Uncertain significance (3). Last evaluated 2025-10-10.

Conditions:
Cardiovascular phenotype. Identifiers: MedGen CN230736.
Arrhythmogenic right ventricular cardiomyopathy (ARVD). Also called: Cardiomyopathy, ARVC; Arrhythmogenic right ventricular dysplasia; Arrhythmogenic cardiomyopathy; Arrhythmogenic Right Ventricular Cardiomyopathy (ARVC). Identifiers: Orphanet 247, MedGen C0349788, MeSH D019571, MONDO:0016587. Disease mechanism: loss of function. Inheritance: Various modes of inheritance.
Arrhythmogenic right ventricular dysplasia 10. Also called: Arrhythmogenic Right Ventricular Dysplasia/Cardiomyopathy10; ARRHYTHMOGENIC RIGHT VENTRICULAR DYSPLASIA, FAMILIAL, 10; Arrhythmogenic right ventricular dysplasia/cardiomyopathy, type 10. Identifiers: MedGen C1857777, MONDO:0012434, OMIM 610193.

Allele frequency attached by ClinVar (database versions not stated): gnomAD exomes 0.00001.
gnomAD v4.1: 3 of 1,614,170 alleles (0.00019%); highest among the groups gnomAD compares: Non-Finnish European, 0.00025%; no homozygotes.

Submissions (3):

Ambry Genetics
Classification: Uncertain significance for Cardiovascular phenotype. Last evaluated: 2025-10-10. Review status: criteria provided, single submitter. Criteria: Ambry Variant Classification Scheme 2023. Collection method: clinical testing. Allele origin: germline.
Comment: The p.G1094R variant (also known as c.3280G>C), located in coding exon 15 of the DSG2 gene, results from a G to C substitution at nucleotide position 3280. The glycine at codon 1094 is replaced by arginine, an amino acid with dissimilar properties. This amino acid position is conserved. In addition, this alteration is predicted to be tolerated by in silico analysis. Since supporting evidence is limited at this time, the clinical significance of this alteration remains unclear.

All of Us Research Program, National Institutes of Health
Classification: Uncertain significance for Arrhythmogenic right ventricular cardiomyopathy. Last evaluated: 2023-08-15. Review status: criteria provided, single submitter. Criteria: ACMG Guidelines, 2015. Collection method: clinical testing. Allele origin: germline. Inheritance: Autosomal dominant inheritance. Observed: 1 variant allele, 1 heterozygote.
Comment: This missense variant replaces glycine with arginine at codon 1094 of the DSG2 protein. Computational prediction suggests that this variant may not impact protein structure and function (internally defined REVEL score threshold <= 0.5, PMID: 27666373). To our knowledge, functional studies have not been reported for this variant. This variant has not been reported in individuals affected with DSG2-related disorders in the literature. This variant has not been identified in the general population by the Genome Aggregation Database (gnomAD). The available evidence is insufficient to determine the role of this variant in disease conclusively. Therefore, this variant is classified as a Variant of Uncertain Significance.

This study involves interpretation of variants in research participants for the purpose of population health screening. Participant phenotype was not available at the time of variant classification. Additional details can be found in publication PMID: 35346344, PMCID: PMC8962531

Labcorp Genetics (formerly Invitae), Labcorp
Classification: Uncertain significance for Arrhythmogenic right ventricular dysplasia 10. Last evaluated: 2019-02-25. Review status: criteria provided, single submitter. Criteria: Invitae Variant Classification Sherloc (09022015). Collection method: clinical testing. Allele origin: germline.
Comment: In summary, the available evidence is currently insufficient to determine the role of this variant in disease. Therefore, it has been classified as a Variant of Uncertain Significance. Algorithms developed to predict the effect of missense changes on protein structure and function are either unavailable or do not agree on the potential impact of this missense change (SIFT: "Deleterious"; PolyPhen-2: "Possibly Damaging"; Align-GVGD: "Class C0"). This variant has not been reported in the literature in individuals with DSG2-related conditions. This variant is not present in population databases (ExAC no frequency). This sequence change replaces glycine with arginine at codon 1094 of the DSG2 protein (p.Gly1094Arg). The glycine residue is moderately conserved and there is a moderate physicochemical difference between glycine and arginine.